The following is an entry in ClinVar:

ClinVar aggregate classification (germline): Uncertain significance (1 of 4 stars; one submission).

Submission:

Labcorp Genetics (formerly Invitae), Labcorp
Classification: Uncertain significance. Last evaluated: 2022-08-05. Review status: criteria provided, single submitter. Criteria: Invitae Variant Classification Sherloc (09022015). Collection method: clinical testing. Allele origin: germline.
Comment: This variant, c.1322_1327dup, results in the insertion of 2 amino acid(s) of the ERCC6 protein (p.Glu441_Gly442dup), but otherwise preserves the integrity of the reading frame. This variant is not present in population databases (gnomAD no frequency). This variant has not been reported in the literature in individuals affected with ERCC6-related conditions. Experimental studies and prediction algorithms are not available or were not evaluated, and the functional significance of this variant is currently unknown. In summary, the available evidence is currently insufficient to determine the role of this variant in disease. Therefore, it has been classified as a Variant of Uncertain Significance.

NM_000124.4(ERCC6):c.1322_1327dup (p.Gly442_Gly443insGluGly)

Genes: ERCC6 (ERCC excision repair 6, chromatin remodeling factor; minus strand), PGBD3 (piggyBac transposable element derived 3; minus strand). Cytogenetic location: 10q11.23.
Variant type: Duplication.
Coding change: c.1322_1327dup on transcript NM_000124.4 (MANE Select); coding-DNA positions 1322 to 1327, 6 bases duplicated (AAGGAG; older notation c.1322_1327dupAAGGAG).
Protein change: p.Gly442_Gly443insGluGly.
Molecular consequence: inframe insertion. On other transcripts: 5 prime UTR variant (1).
Genome position (GRCh38, 1-based): chr10:49,524,103-49,524,108, CTCCTT duplicated on the plus strand (AAGGAG on the coding strand, the reverse complement: ERCC6 is on the minus strand); duplicating any 6 consecutive bases within chr10:49,524,103-49,524,113 gives the same sequence; the c. name uses the placement nearest the transcript's 3' end. VCF-style (leftmost placement, unchanged base first): chr10-49524102-C-CCTCCTT. GRCh37 (hg19) VCF-style: chr10-50732148-C-CCTCCTT.
Other names: c.1322_1327dup, p.Gly442_Gly443insGluGly (NM_001277058.2, NM_001277059.2, NM_001346440.2); c.-83_-78dup (NM_170753.3).
Identifiers: ClinVar variation 1913792 (VCV001913792.2), dbSNP rs1837247100, ClinGen allele CA928210585.